The following is an entry in ClinVar:

ClinVar aggregate classification (germline): Uncertain significance (1 of 4 stars; one submission).

Conditions:
Malignant hyperthermia, susceptibility to, 5 (MHS5). Also called: CACNA1S-Related Malignant Hyperthermia Susceptibility. Identifiers: Orphanet 423, MedGen C1866077, MONDO:0011163, OMIM 601887.

Allele frequency attached by ClinVar (database versions not stated): gnomAD exomes below 0.00001; TOPMed below 0.00001.
gnomAD v4.1: 2 of 1,614,022 alleles (0.00012%); highest among the groups gnomAD compares: East Asian, 0.0022%; no homozygotes.

Submission:

All of Us Research Program, National Institutes of Health
Classification: Uncertain significance for Malignant hyperthermia, susceptibility to, 5. Last evaluated: 2024-03-05. Review status: criteria provided, single submitter. Criteria: ACMG Guidelines, 2015. Collection method: clinical testing. Allele origin: germline. Inheritance: Autosomal dominant inheritance. Observed: 5 variant alleles, 5 heterozygotes.
Comment: This missense variant replaces proline with serine at codon 28 of the CACNA1S protein. Computational prediction suggests that this variant may not impact protein structure and function (internally defined REVEL score threshold <= 0.5, PMID: 27666373). To our knowledge, functional studies have not been reported for this variant. This variant has not been reported in individuals affected with CACNA1S-related disorders in the literature. This variant has not been identified in the general population by the Genome Aggregation Database (gnomAD). The available evidence is insufficient to determine the role of this variant in disease conclusively. Therefore, this variant is classified as a Variant of Uncertain Significance.

This study involves interpretation of variants in research participants for the purpose of population health screening. Participant phenotype was not available at the time of variant classification. Additional details can be found in publication PMID: 35346344, PMCID: PMC8962531

NM_000069.3(CACNA1S):c.82C>T (p.Pro28Ser)

Gene: CACNA1S (calcium voltage-gated channel subunit alpha1 S; minus strand). Cytogenetic location: 1q32.1.
Variant type: single nucleotide variant.
Coding change: c.82C>T on transcript NM_000069.3 (MANE Select); coding-DNA position 82, C replaced by T.
Protein change: p.Pro28Ser; replaces proline 28 with serine.
Molecular consequence: missense variant.
Genome position (GRCh38, 1-based): chr1:201,112,258, G>A on the plus strand (C>T on the coding strand, the complement: CACNA1S is on the minus strand). VCF-style: chr1-201112258-G-A. GRCh37 (hg19) VCF-style: chr1-201081386-G-A.
Other names: short protein forms P28S.
Identifiers: ClinVar variation 3072960 (VCV003072960.2), dbSNP rs1297380219, ClinGen allele CA344158177.
Genomic context (GRCh38, chr1:201,112,258, plus strand): 5'-CAATGCTGATGCAGGCCTTCCTCAGGGGGTTCTCCAGGGTCAGGCAGAACAAGGCCCGGG[G>A]TGGCCTTGGCAGAATCTCAGGAACTGGCTTCTTGGGCTGTTTCTTCCTCAGGCCTTCATC-3'
Protein context (NP_000060.2, residues 18-38): KPVPEILPRP[Pro28Ser]RALFCLTLEN